The following is an entry in ClinVar:

NM_014633.5(CTR9):c.2886-3A>G

Gene: CTR9 (CTR9 component of Paf1/RNA polymerase II complex; plus strand). Cytogenetic location: 11p15.4.
Variant type: single nucleotide variant.
Coding change: c.2886-3A>G on transcript NM_014633.5 (MANE Select); 3 bases into the intron before coding-DNA position 2886, A replaced by G.
Molecular consequence: intron variant.
Genome position (GRCh38, 1-based): chr11:10,775,204, A>G. VCF-style: chr11-10775204-A-G. GRCh37 (hg19) VCF-style: chr11-10796751-A-G.
Other names: c.2814-3A>G (NM_001346279.2).
Identifiers: ClinVar variation 1437152 (VCV001437152.6), dbSNP rs752315744, ClinGen allele CA5885456.

ClinVar aggregate classification (germline): Uncertain significance (1 of 4 stars; one submission).

Allele frequency attached by ClinVar (database versions not stated): gnomAD exomes 0.00001; ExAC 0.00002.
gnomAD v4.1: 4 of 1,612,394 alleles (0.00025%); highest among the groups gnomAD compares: Admixed American, 0.005%; no homozygotes.

Submission:

Labcorp Genetics (formerly Invitae), Labcorp
Classification: Uncertain significance. Last evaluated: 2021-10-08. Review status: criteria provided, single submitter. Criteria: Invitae Variant Classification Sherloc (09022015). Collection method: clinical testing. Allele origin: germline.
Comment: This variant has not been reported in the literature in individuals affected with CTR9-related conditions. This sequence change falls in intron 22 of the CTR9 gene. It does not directly change the encoded amino acid sequence of the CTR9 protein. It affects a nucleotide within the consensus splice site. This variant is present in population databases (rs752315744, ExAC 0.02%). Variants that disrupt the consensus splice site are a relatively common cause of aberrant splicing (PMID: 17576681, 9536098). Algorithms developed to predict the effect of sequence changes on RNA splicing suggest that this variant may disrupt the consensus splice site. In summary, the available evidence is currently insufficient to determine the role of this variant in disease. Therefore, it has been classified as a Variant of Uncertain Significance.

Literature cited by the submitters: PubMed 17576681; PubMed 9536098.